The following is an entry in ClinVar:

NM_017514.5(PLXNA3):c.3585+9G>C

Gene: PLXNA3 (plexin A3; plus strand). Cytogenetic location: Xq28.
Variant type: single nucleotide variant.
Coding change: c.3585+9G>C on transcript NM_017514.5 (MANE Select); 9 bases into the intron after coding-DNA position 3585, G replaced by C.
Molecular consequence: intron variant.
Genome position (GRCh38, 1-based): chrX:154,467,697, G>C. VCF-style: chrX-154467697-G-C. GRCh37 (hg19) VCF-style: chrX-153696040-G-C.
Identifiers: ClinVar variation 3355743 (VCV003355743.1).

ClinVar aggregate classification (germline): Likely benign (0 of 4 stars; one submission).

Conditions:
PLXNA3-related disorder. Also called: PLXNA3-related condition.

gnomAD v4.1: 15 of 1,206,276 alleles (0.0012%); highest among the groups gnomAD compares: African/African-American, 0.021%; no homozygotes.

Submission:

PreventionGenetics, part of Exact Sciences
Classification: Likely benign for PLXNA3-related condition. Last evaluated: 2022-09-23. Review status: no assertion criteria provided. Collection method: clinical testing. Allele origin: germline.
Comment: This variant is classified as likely benign based on ACMG/AMP sequence variant interpretation guidelines (Richards et al. 2015 PMID: 25741868, with internal and published modifications).